The following is an entry in ClinVar:

ClinVar aggregate classification (germline): Uncertain significance (1 of 4 stars; one submission).

gnomAD v4.1: 10 of 1,614,008 alleles (0.00062%); highest among the groups gnomAD compares: Admixed American, 0.0033%; no homozygotes.

Submission:

Labcorp Genetics (formerly Invitae), Labcorp
Classification: Uncertain significance. Last evaluated: 2025-06-12. Review status: criteria provided, single submitter. Criteria: Invitae Variant Classification Sherloc (09022015). Collection method: clinical testing. Allele origin: germline.
Comment: This sequence change replaces threonine, which is neutral and polar, with methionine, which is neutral and non-polar, at codon 1582 of the FBN3 protein (p.Thr1582Met). This variant is present in population databases (rs372444818, gnomAD 0.007%). This variant has not been reported in the literature in individuals affected with FBN3-related conditions. Invitae Evidence Modeling of protein sequence and biophysical properties (such as structural, functional, and spatial information, amino acid conservation, physicochemical variation, residue mobility, and thermodynamic stability) has been performed for this missense variant. However, the output from this modeling did not meet the statistical confidence thresholds required to predict the impact of this variant on FBN3 protein function. In summary, the available evidence is currently insufficient to determine the role of this variant in disease. Therefore, it has been classified as a Variant of Uncertain Significance.

NM_032447.5(FBN3):c.4745C>T (p.Thr1582Met)

Gene: FBN3 (fibrillin 3; minus strand). Cytogenetic location: 19p13.2.
Variant type: single nucleotide variant.
Coding change: c.4745C>T on transcript NM_032447.5 (MANE Select); coding-DNA position 4745, C replaced by T.
Protein change: p.Thr1582Met; replaces threonine 1582 with methionine.
Molecular consequence: missense variant.
Genome position (GRCh38, 1-based): chr19:8,106,176, G>A on the plus strand (C>T on the coding strand, the complement: FBN3 is on the minus strand). VCF-style: chr19-8106176-G-A. GRCh37 (hg19) VCF-style: chr19-8171060-G-A.
Other names: c.4745C>T, p.Thr1582Met (NM_001321431.2); short protein forms T1582M.
Identifiers: ClinVar variation 4709464 (VCV004709464.1).